The following is an entry in ClinVar:

ClinVar aggregate classification (germline): Likely benign (1 of 4 stars; one submission).

Submission:

CeGaT Center for Human Genetics Tuebingen
Classification: Likely benign. Last evaluated: 2022-08-01. Review status: criteria provided, single submitter. Criteria: CeGaT Center For Human Genetics Tuebingen Variant Classification Criteria Version 2. Collection method: clinical testing. Allele origin: germline. Affected: yes. Observed: 4 variant alleles.
Comment: CENPVL1: PM2:Supporting, BP4, BP7

NM_001355277.1(CENPVL1):c.285C>T (p.Asp95=)

Gene: CENPVL1 (centromere protein V like 1; plus strand). Cytogenetic location: Xp11.22.
Variant type: single nucleotide variant.
Coding change: c.285C>T on transcript NM_001355277.1 (MANE Select); coding-DNA position 285, C replaced by T.
Protein change: p.Asp95=; no amino-acid change (aspartic acid 95 retained).
Molecular consequence: synonymous variant.
Genome position (GRCh38, 1-based): chrX:51,710,796, C>T. VCF-style: chrX-51710796-C-T. GRCh37 (hg19) VCF-style: chrX-51453892-C-T.
Identifiers: ClinVar variation 2660571 (VCV002660571.24), dbSNP rs1557347438, ClinGen allele CA876156317.
Genomic context (GRCh38, chrX:51,710,796, plus strand): 5'-GCTGCCCTCCGCGCCAACCCCGGACCCGCCGGGGCCCGCCCCGTCCCCCAAGGATCTGGA[C>T]CTGGGCGCACAGCGGGAGCGCTGGGAGACGTTCAGGAAGCTGCGGGGCCTCAGCTGCGAG-3'
Protein context (NP_001342206.1, residues 85-105): PGPAPSPKDL[Asp95=]LGAQRERWET